The following is an entry in ClinVar:

ClinVar aggregate classification (germline): Uncertain significance (1 of 4 stars; one submission).

Conditions:
Autoimmune interstitial lung disease-arthritis syndrome. Also called: Autoinflammation and autoimmunity, systemic, with immune dysregulation. Identifiers: Orphanet 444092, MedGen C5975714, MONDO:0014629.

Submission:

Labcorp Genetics (formerly Invitae), Labcorp
Classification: Uncertain significance for Autoimmune interstitial lung disease-arthritis syndrome. Last evaluated: 2022-07-16. Review status: criteria provided, single submitter. Criteria: Invitae Variant Classification Sherloc (09022015). Collection method: clinical testing. Allele origin: germline.
Comment: This variant is not present in population databases (gnomAD no frequency). This sequence change replaces proline, which is neutral and non-polar, with threonine, which is neutral and polar, at codon 405 of the COPA protein (p.Pro405Thr). This variant has not been reported in the literature in individuals affected with COPA-related conditions. Advanced modeling of protein sequence and biophysical properties (such as structural, functional, and spatial information, amino acid conservation, physicochemical variation, residue mobility, and thermodynamic stability) performed at Invitae indicates that this missense variant is not expected to disrupt COPA protein function. In summary, the available evidence is currently insufficient to determine the role of this variant in disease. Therefore, it has been classified as a Variant of Uncertain Significance.

NM_004371.4(COPA):c.1213C>A (p.Pro405Thr)

Gene: COPA (coat protein complex I subunit alpha; minus strand). Cytogenetic location: 1q23.2.
Variant type: single nucleotide variant.
Coding change: c.1213C>A on transcript NM_004371.4 (MANE Select); coding-DNA position 1213, C replaced by A.
Protein change: p.Pro405Thr; replaces proline 405 with threonine.
Molecular consequence: missense variant.
Genome position (GRCh38, 1-based): chr1:160,309,107, G>T on the plus strand (C>A on the coding strand, the complement: COPA is on the minus strand). VCF-style: chr1-160309107-G-T. GRCh37 (hg19) VCF-style: chr1-160278897-G-T.
Other names: c.1213C>A, p.Pro405Thr (NM_001098398.2); short protein forms P405T.
Identifiers: ClinVar variation 1715830 (VCV001715830.5), dbSNP rs1658883501, ClinGen allele CA343258179.
Genomic context (GRCh38, chr1:160,309,107, plus strand): 5'-GATGCGGGTGAGGAGAGCTGGAAGCAGAGTGGGGTAGACAAAAAGAACACTTACCATCAG[G>T]ATTCTGGGAGTCAGCATCTTTAGGGATGGTGTACAGGTCATAGGTACTATTCTCTAGATT-3'
Protein context (NP_004362.2, residues 395-415): TIPKDADSQN[Pro405Thr]DAPEGKRSSG